The following is an entry in ClinVar:

NM_024529.5(CDC73):c.1155-5C>T

Gene: CDC73 (cell division cycle 73; plus strand). Cytogenetic location: 1q31.2.
Variant type: single nucleotide variant.
Coding change: c.1155-5C>T on transcript NM_024529.5 (MANE Select); 5 bases into the intron before coding-DNA position 1155, C replaced by T.
Molecular consequence: intron variant.
Genome position (GRCh38, 1-based): chr1:193,232,988, C>T. VCF-style: chr1-193232988-C-T. GRCh37 (hg19) VCF-style: chr1-193202118-C-T.
Other names: c.1155-5C>T (NM_024529.4).
Identifiers: ClinVar variation 3007324 (VCV003007324.4), dbSNP rs1431566505, ClinGen allele CA528081507.

ClinVar aggregate classification (germline): Conflicting classifications of pathogenicity. Review status: criteria provided, conflicting classifications (1 of 4 stars). 2 submissions from 2 submitters: Uncertain significance (1); Likely benign (1). Last evaluated 2024-09-10.

Conditions:
Hereditary cancer-predisposing syndrome. Also called: Hereditary Cancer Syndrome; Neoplastic Syndromes, Hereditary; Tumor predisposition; Hereditary neoplastic syndrome. Identifiers: Orphanet 140162, MedGen C0027672, MeSH D009386, MONDO:0015356.
Parathyroid carcinoma (PRTC). Also called: CDC73-Related Parathyroid Carcinoma; Parathyroid gland carcinoma. Identifiers: Orphanet 143, MedGen C0687150, MONDO:0012004, OMIM 608266, HP:0006780.

Allele frequency attached by ClinVar (database versions not stated): gnomAD exomes below 0.00001.
gnomAD v4.1: 1 of 1,611,214 alleles (0.000062%); highest among the groups gnomAD compares: East Asian, 0.0022%; no homozygotes.

Submissions (2):

Ambry Genetics
Classification: Uncertain significance for Hereditary cancer-predisposing syndrome. Last evaluated: 2024-09-10. Review status: criteria provided, single submitter. Criteria: Ambry Variant Classification Scheme 2023. Collection method: clinical testing. Allele origin: germline.
Comment: The c.1155-5C>T intronic variant results from a C to T substitution 5 nucleotides upstream from coding exon 14 in the CDC73 gene. This nucleotide position is not well conserved in available vertebrate species. In silico splice site analysis predicts that this alteration will not have any significant effect on splicing. Based on the available evidence, the clinical significance of this variant remains unclear.

Labcorp Genetics (formerly Invitae), Labcorp
Classification: Likely benign for Parathyroid carcinoma. Last evaluated: 2024-03-29. Review status: criteria provided, single submitter. Criteria: Invitae Variant Classification Sherloc (09022015). Collection method: clinical testing. Allele origin: germline.